The following is an entry in ClinVar:

ClinVar aggregate classification (germline): Conflicting classifications of pathogenicity. Review status: criteria provided, conflicting classifications (1 of 4 stars). 2 submissions from 2 submitters: Uncertain significance (1); Likely benign (1). Last evaluated 2024-02-03.

Conditions:
Hereditary pancreatitis (PCTT). Also called: Hereditary chronic pancreatitis; PRSS1-Related Hereditary Pancreatitis. Identifiers: Orphanet 676, MedGen C0238339, MONDO:0008185, OMIM 167800.

Submissions (2):

Labcorp Genetics (formerly Invitae), Labcorp
Classification: Uncertain significance. Last evaluated: 2024-02-03. Review status: criteria provided, single submitter. Criteria: Invitae Variant Classification Sherloc (09022015). Collection method: clinical testing. Allele origin: germline.
Comment: This sequence change creates a premature translational stop signal (p.Leu4Glyfs*5) in the CPA1 gene. It is expected to result in an absent or disrupted protein product. However, the current clinical and genetic evidence is not sufficient to establish whether loss-of-function variants in CPA1 cause disease. This variant is not present in population databases (gnomAD no frequency). This variant has not been reported in the literature in individuals affected with CPA1-related conditions. ClinVar contains an entry for this variant (Variation ID: 1761610). In summary, the available evidence is currently insufficient to determine the role of this variant in disease. Therefore, it has been classified as a Variant of Uncertain Significance.

Ambry Genetics
Classification: Likely benign for Hereditary pancreatitis. Last evaluated: 2020-10-07. Review status: criteria provided, single submitter. Criteria: Ambry Variant Classification Scheme 2023. Collection method: clinical testing. Allele origin: germline.

NM_001868.4(CPA1):c.8_9dup (p.Leu4fs)

Gene: CPA1 (carboxypeptidase A1; plus strand). Cytogenetic location: 7q32.2.
Variant type: Duplication.
Coding change: c.8_9dup on transcript NM_001868.4 (MANE Select); coding-DNA positions 8 to 9, 2 bases duplicated (GG; older notation c.8_9dupGG).
Protein change: p.Leu4fs; shifts the reading frame from leucine 4.
Molecular consequence: frameshift variant.
Genome position (GRCh38, 1-based): chr7:130,380,528-130,380,529, GG duplicated; duplicating any 2 consecutive bases within chr7:130,380,525-130,380,529 gives the same sequence; the c. name uses the placement nearest the transcript's 3' end. VCF-style (leftmost placement, unchanged base first): chr7-130380524-C-CGG. GRCh37 (hg19) VCF-style: chr7-130020365-C-CGG.
Other names: short protein forms L4fs.
Identifiers: ClinVar variation 1761610 (VCV001761610.5), dbSNP rs1796390308, ClinGen allele CA1107180519.